The following is an entry in ClinVar:

NM_003183.6(ADAM17):c.1241A>T (p.Glu414Val)

Genes: ADAM17 (ADAM metallopeptidase domain 17; minus strand), IAH1 (isoamyl acetate hydrolyzing esterase 1 (putative); plus strand). Cytogenetic location: 2p25.1.
Variant type: single nucleotide variant.
Coding change: c.1241A>T on transcript NM_003183.6 (MANE Select); coding-DNA position 1241, A replaced by T.
Protein change: p.Glu414Val; replaces glutamic acid 414 with valine.
Molecular consequence: missense variant.
Genome position (GRCh38, 1-based): chr2:9,510,082, T>A on the plus strand (A>T on the coding strand, the complement: ADAM17 is on the minus strand). VCF-style: chr2-9510082-T-A. GRCh37 (hg19) VCF-style: chr2-9650211-T-A.
Other names: c.581A>T, p.Glu194Val (NM_001382777.1); c.344A>T, p.Glu115Val (NM_001382778.1); short protein forms E194V, E115V, E414V.
Identifiers: ClinVar variation 1409205 (VCV001409205.6), dbSNP rs2125007795, ClinGen allele CA345778352.
Genomic context (GRCh38, chr2:9,510,082, plus strand): 5'-ACATATTTCCCTCCCTGGTCCTCATTCGGGGCACATTCTGCTAGACCATCCGGATCATGT[T>A]CTGCTCCAAAATTATGTCCCAATTCATGAGTTGTAACCAGGTCAGCTTCCTTAAGGATCA-3'
Protein context (NP_003174.3, residues 404-424): THELGHNFGA[Glu414Val]HDPDGLAECA

ClinVar aggregate classification (germline): Uncertain significance (1 of 4 stars; one submission).

Conditions:
Inflammatory skin and bowel disease, neonatal, 1. Identifiers: Orphanet 294023, MedGen C3280501, MONDO:0013693, OMIM 614328.

Submission:

Labcorp Genetics (formerly Invitae), Labcorp
Classification: Uncertain significance for Inflammatory skin and bowel disease, neonatal, 1. Last evaluated: 2023-08-28. Review status: criteria provided, single submitter. Criteria: Invitae Variant Classification Sherloc (09022015). Collection method: clinical testing. Allele origin: germline.
Comment: This variant has not been reported in the literature in individuals affected with ADAM17-related conditions. In summary, the available evidence is currently insufficient to determine the role of this variant in disease. Therefore, it has been classified as a Variant of Uncertain Significance. An algorithm developed to predict the effect of missense changes on protein structure and function (PolyPhen-2) suggests that this variant is likely to be tolerated. ClinVar contains an entry for this variant (Variation ID: 1409205). This variant is not present in population databases (gnomAD no frequency). This sequence change replaces glutamic acid, which is acidic and polar, with valine, which is neutral and non-polar, at codon 414 of the ADAM17 protein (p.Glu414Val).